The following is an entry in ClinVar:

NM_006231.4(POLE):c.1966T>C (p.Phe656Leu)

Gene: POLE (DNA polymerase epsilon, catalytic subunit; minus strand). Cytogenetic location: 12q24.33.
Variant type: single nucleotide variant.
Coding change: c.1966T>C on transcript NM_006231.4 (MANE Select); coding-DNA position 1966, T replaced by C.
Protein change: p.Phe656Leu; replaces phenylalanine 656 with leucine.
Molecular consequence: missense variant.
Genome position (GRCh38, 1-based): chr12:132,668,695, A>G on the plus strand (T>C on the coding strand, the complement: POLE is on the minus strand). VCF-style: chr12-132668695-A-G. GRCh37 (hg19) VCF-style: chr12-133245281-A-G.
Other names: short protein forms F656L.
Identifiers: ClinVar variation 5027102 (VCV005027102.1).

ClinVar aggregate classification (germline): Uncertain significance (1 of 4 stars; one submission).

Conditions:
Hereditary cancer-predisposing syndrome. Also called: Neoplastic Syndromes, Hereditary; Tumor predisposition; Hereditary neoplastic syndrome; Hereditary Cancer Syndrome. Identifiers: Orphanet 140162, MedGen C0027672, MeSH D009386, MONDO:0015356.

Submission:

Ambry Genetics
Classification: Uncertain significance for Hereditary cancer-predisposing syndrome. Last evaluated: 2026-07-30. Review status: criteria provided, single submitter. Criteria: Ambry Variant Classification Scheme 2023. Collection method: clinical testing. Allele origin: germline.
Comment: The p.F656L variant (also known as c.1966T>C), located in coding exon 18 of the POLE gene, results from a T to C substitution at nucleotide position 1966. The phenylalanine at codon 656 is replaced by leucine, an amino acid with highly similar properties. This amino acid position is conserved. In addition, the in silico prediction for this alteration is inconclusive. Based on the available evidence, the clinical significance of this variant remains unclear.